The following is an entry in ClinVar:

ClinVar aggregate classification (germline): Uncertain significance (1 of 4 stars; one submission).

Allele frequency attached by ClinVar (database versions not stated): gnomAD exomes below 0.00001; TOPMed 0.00001.
gnomAD v4.1: 4 of 1,614,066 alleles (0.00025%); highest among the groups gnomAD compares: Non-Finnish European, 0.00034%; no homozygotes.

Submission:

Labcorp Genetics (formerly Invitae), Labcorp
Classification: Uncertain significance. Last evaluated: 2024-02-24. Review status: criteria provided, single submitter. Criteria: Invitae Variant Classification Sherloc (09022015). Collection method: clinical testing. Allele origin: germline.
Comment: This sequence change replaces proline, which is neutral and non-polar, with serine, which is neutral and polar, at codon 138 of the NAXE protein (p.Pro138Ser). This variant is not present in population databases (gnomAD no frequency). This variant has not been reported in the literature in individuals affected with NAXE-related conditions. ClinVar contains an entry for this variant (Variation ID: 1485688). Advanced modeling of protein sequence and biophysical properties (such as structural, functional, and spatial information, amino acid conservation, physicochemical variation, residue mobility, and thermodynamic stability) performed at Invitae indicates that this missense variant is not expected to disrupt NAXE protein function with a negative predictive value of 80%. In summary, the available evidence is currently insufficient to determine the role of this variant in disease. Therefore, it has been classified as a Variant of Uncertain Significance.

NM_144772.3(NAXE):c.412C>T (p.Pro138Ser)

Gene: NAXE (NAD(P)HX epimerase; plus strand). Cytogenetic location: 1q22.
Variant type: single nucleotide variant.
Coding change: c.412C>T on transcript NM_144772.3 (MANE Select); coding-DNA position 412, C replaced by T.
Protein change: p.Pro138Ser; replaces proline 138 with serine.
Molecular consequence: missense variant.
Genome position (GRCh38, 1-based): chr1:156,592,566, C>T. VCF-style: chr1-156592566-C-T. GRCh37 (hg19) VCF-style: chr1-156562358-C-T.
Other names: short protein forms P138S.
Identifiers: ClinVar variation 1485688 (VCV001485688.5), dbSNP rs1677361334, ClinGen allele CA342873334.